The following is an entry in ClinVar:

ClinVar aggregate classification (germline): Uncertain significance (1 of 4 stars; one submission).

Allele frequency attached by ClinVar (database versions not stated): gnomAD exomes below 0.00001.
gnomAD v4.1: 3 of 1,606,548 alleles (0.00019%); highest among the groups gnomAD compares: Non-Finnish European, 0.00026%; no homozygotes.

Submission:

Labcorp Genetics (formerly Invitae), Labcorp
Classification: Uncertain significance. Last evaluated: 2022-08-15. Review status: criteria provided, single submitter. Criteria: Invitae Variant Classification Sherloc (09022015). Collection method: clinical testing. Allele origin: germline.
Comment: ClinVar contains an entry for this variant (Variation ID: 1422374). Algorithms developed to predict the effect of missense changes on protein structure and function are either unavailable or do not agree on the potential impact of this missense change (SIFT: "Tolerated"; PolyPhen-2: "Possibly Damaging"; Align-GVGD: "Class C0"). In summary, the available evidence is currently insufficient to determine the role of this variant in disease. Therefore, it has been classified as a Variant of Uncertain Significance. This sequence change replaces valine, which is neutral and non-polar, with alanine, which is neutral and non-polar, at codon 113 of the ELOVL4 protein (p.Val113Ala). This variant is not present in population databases (gnomAD no frequency). This variant has not been reported in the literature in individuals affected with ELOVL4-related conditions.

NM_022726.4(ELOVL4):c.338T>C (p.Val113Ala)

Gene: ELOVL4 (ELOVL fatty acid elongase 4; minus strand). Cytogenetic location: 6q14.1.
Variant type: single nucleotide variant.
Coding change: c.338T>C on transcript NM_022726.4 (MANE Select); coding-DNA position 338, T replaced by C.
Protein change: p.Val113Ala; replaces valine 113 with alanine.
Molecular consequence: missense variant.
Genome position (GRCh38, 1-based): chr6:79,924,983, A>G on the plus strand (T>C on the coding strand, the complement: ELOVL4 is on the minus strand). VCF-style: chr6-79924983-A-G. GRCh37 (hg19) VCF-style: chr6-80634700-A-G.
Other names: short protein forms V113A.
Identifiers: ClinVar variation 1422374 (VCV001422374.6), dbSNP rs2127699130, ClinGen allele CA364657097.